The following is an entry in ClinVar:

ClinVar aggregate classification (germline): Uncertain significance. Review status: criteria provided, multiple submitters, no conflicts (2 of 4 stars). 2 submissions from 2 submitters: Uncertain significance (2). Last evaluated 2024-12-30.

Conditions:
Autosomal recessive spinocerebellar ataxia 18. Identifiers: Orphanet 363432, MedGen C4015505, MONDO:0014530, OMIM 616204.

Allele frequency attached by ClinVar (database versions not stated): ExAC 0.00005.
gnomAD v4.1: 142 of 1,612,434 alleles (0.0088%); highest among the groups gnomAD compares: South Asian, 0.026%; no homozygotes.

Submissions (2):

Labcorp Genetics (formerly Invitae), Labcorp
Classification: Uncertain significance. Last evaluated: 2024-12-30. Review status: criteria provided, single submitter. Criteria: Invitae Variant Classification Sherloc (09022015). Collection method: clinical testing. Allele origin: germline.
Comment: This sequence change replaces arginine, which is basic and polar, with histidine, which is basic and polar, at codon 367 of the GRID2 protein (p.Arg367His). This variant is present in population databases (rs575224950, gnomAD 0.03%). This missense change has been observed in individual(s) with spinocerebellar ataxia (PMID: 31429931). ClinVar contains an entry for this variant (Variation ID: 2921265). Invitae Evidence Modeling of protein sequence and biophysical properties (such as structural, functional, and spatial information, amino acid conservation, physicochemical variation, residue mobility, and thermodynamic stability) indicates that this missense variant is not expected to disrupt GRID2 protein function with a negative predictive value of 80%. In summary, the available evidence is currently insufficient to determine the role of this variant in disease. Therefore, it has been classified as a Variant of Uncertain Significance.

Institute of Medical Genetics and Applied Genomics, University Hospital Tübingen
Classification: Uncertain significance for Autosomal recessive spinocerebellar ataxia 18. Last evaluated: 2024-02-16. Review status: criteria provided, single submitter. Criteria: ACMG Guidelines, 2015. Collection method: clinical testing. Allele origin: germline. Inheritance: Autosomal recessive inheritance. Affected: yes.

Literature cited by the submitters: PubMed 31429931 (cited by Labcorp Genetics (formerly Invitae), Labcorp).

NM_001510.4(GRID2):c.1100G>A (p.Arg367His)

Gene: GRID2 (glutamate ionotropic receptor delta type subunit 2; plus strand). Cytogenetic location: 4q22.2.
Variant type: single nucleotide variant.
Coding change: c.1100G>A on transcript NM_001510.4 (MANE Select); coding-DNA position 1100, G replaced by A.
Protein change: p.Arg367His; replaces arginine 367 with histidine.
Molecular consequence: missense variant.
Genome position (GRCh38, 1-based): chr4:93,224,750, G>A. VCF-style: chr4-93224750-G-A. GRCh37 (hg19) VCF-style: chr4-94145901-G-A.
Other names: c.815G>A, p.Arg272His (NM_001286838.1); short protein forms R272H, R367H.
Identifiers: ClinVar variation 2921265 (VCV002921265.3), dbSNP rs575224950, ClinGen allele CA3012156.